The following is an entry in ClinVar:

NM_052989.3(IFT122):c.1024G>A (p.Asp342Asn)

Gene: IFT122 (intraflagellar transport 122; plus strand). Cytogenetic location: 3q21.3.
Variant type: single nucleotide variant.
Coding change: c.1024G>A on transcript NM_052989.3 (MANE Select); coding-DNA position 1024, G replaced by A.
Protein change: p.Asp342Asn; replaces aspartic acid 342 with asparagine.
Molecular consequence: missense variant.
Genome position (GRCh38, 1-based): chr3:129,476,678, G>A. VCF-style: chr3-129476678-G-A. GRCh37 (hg19) VCF-style: chr3-129195521-G-A.
Other names: c.1000G>A, p.Asp334Asn (NM_001280541.2); c.574G>A, p.Asp192Asn (NM_001280545.2); c.397G>A, p.Asp133Asn (NM_001280546.2); c.847G>A, p.Asp283Asn (NM_018262.4); c.1177G>A, p.Asp393Asn (NM_052985.4); c.691G>A, p.Asp231Asn (NM_052990.3); short protein forms D133N, D393N, D283N, D334N, D342N, D192N, D231N.
Identifiers: ClinVar variation 1464735 (VCV001464735.8), dbSNP rs768644199, ClinGen allele CA2606057.

ClinVar aggregate classification (germline): Uncertain significance. Review status: criteria provided, multiple submitters, no conflicts (2 of 4 stars). 3 submissions from 3 submitters: Uncertain significance (3). Last evaluated 2024-02-21.

Conditions:
Cranioectodermal dysplasia 1 (CED1). Also called: LEVIN SYNDROME I. Identifiers: Orphanet 1515, MedGen C0432235, MONDO:0021093, OMIM 218330.

Allele frequency attached by ClinVar (database versions not stated): gnomAD 0.00001; ExAC 0.00004; TOPMed 0.00006; gnomAD exomes 0.00007.
gnomAD v4.1: 37 of 1,614,106 alleles (0.0023%); highest among the groups gnomAD compares: Admixed American, 0.02%; no homozygotes.

Submissions (3):

Fulgent Genetics
Classification: Uncertain significance for Cranioectodermal dysplasia 1. Last evaluated: 2024-02-21. Review status: criteria provided, single submitter. Criteria: ACMG Guidelines, 2015. Collection method: clinical testing. Allele origin: germline.

Labcorp Genetics (formerly Invitae), Labcorp
Classification: Uncertain significance for Cranioectodermal dysplasia 1. Last evaluated: 2021-09-01. Review status: criteria provided, single submitter. Criteria: Invitae Variant Classification Sherloc (09022015). Collection method: clinical testing. Allele origin: germline.
Comment: This sequence change replaces aspartic acid with asparagine at codon 393 of the IFT122 protein (p.Asp393Asn). The aspartic acid residue is highly conserved and there is a small physicochemical difference between aspartic acid and asparagine. This variant is present in population databases (rs768644199, ExAC 0.02%). This variant has not been reported in the literature in individuals affected with IFT122-related conditions. Algorithms developed to predict the effect of missense changes on protein structure and function are either unavailable or do not agree on the potential impact of this missense change (SIFT: "Deleterious"; PolyPhen-2: "Probably Damaging"; Align-GVGD: "Class C0"). In summary, the available evidence is currently insufficient to determine the role of this variant in disease. Therefore, it has been classified as a Variant of Uncertain Significance.

Breakthrough Genomics
Classification: Uncertain significance. Review status: criteria provided, single submitter. Criteria: ACMG Guidelines, 2015. Collection method: not provided. Allele origin: germline. Inheritance: Autosomal recessive inheritance. Affected: yes.